The following is an entry in ClinVar:

ClinVar aggregate classification (germline): Likely benign (1 of 4 stars; one submission).

Submission:

CeGaT Center for Human Genetics Tuebingen
Classification: Likely benign. Last evaluated: 2022-03-01. Review status: criteria provided, single submitter. Criteria: CeGaT Center For Human Genetics Tuebingen Variant Classification Criteria Version 2. Collection method: clinical testing. Allele origin: germline. Affected: yes. Observed: 1 variant allele.
Comment: CIC: BP4, BP7

NM_001386298.1(CIC):c.4353C>T (p.Ser1451=)

Gene: CIC (capicua transcriptional repressor; plus strand). Cytogenetic location: 19q13.2.
Variant type: single nucleotide variant.
Coding change: c.4353C>T on transcript NM_001386298.1 (MANE Select); coding-DNA position 4353, C replaced by T.
Protein change: p.Ser1451=; no amino-acid change (serine 1451 retained).
Molecular consequence: synonymous variant.
Genome position (GRCh38, 1-based): chr19:42,290,394, C>T. VCF-style: chr19-42290394-C-T. GRCh37 (hg19) VCF-style: chr19-42794546-C-T.
Other names: c.4353C>T, p.Ser1451= (NM_001304815.2, NM_001379480.1, NM_001379482.1 and 1 more transcripts); c.1626C>T, p.Ser542= (NM_001379484.1, NM_001379485.1, NM_015125.5).
Identifiers: ClinVar variation 2649992 (VCV002649992.24), dbSNP rs2513929964, ClinGen allele CA507703959.
Genomic context (GRCh38, chr19:42,290,394, plus strand): 5'-AGCCTTTGGCAAAGGCTATGGTTCCGCCCCATCCTCCTCTGCGTCCTCGCCTGCTTCCTC[C>T]TCAGCCTCGGCAGCCACCTCCTTCTCACTGGGCTCAGGAACCTTCAAGGCCCAGGAGTCT-3'
Protein context (NP_001373227.1, residues 1441-1461): PSSSASSPAS[Ser1451=]SASAATSFSL